The following is an entry in ClinVar:

ClinVar aggregate classification (germline): Uncertain significance. Review status: criteria provided, multiple submitters, no conflicts (2 of 4 stars). 3 submissions from 3 submitters: Uncertain significance (2). 1 of the submissions does not count toward it. Last evaluated 2026-02-15.

Conditions:
Cardiovascular phenotype. Identifiers: MedGen CN230736.
Glycogen storage disease, type II (IOPD). Also called: POMPE DISEASE, INFANTILE-ONSET; GLYCOGEN STORAGE DISEASE II, INFANTILE-ONSET; ACID ALPHA-GLUCOSIDASE DEFICIENCY, INFANTILE-ONSET; GAA DEFICIENCY, INFANTILE-ONSET; ACID MALTASE DEFICIENCY, INFANTILE-ONSET; CARDIOMEGALIA GLYCOGENICA DIFFUSA. Identifiers: Orphanet 365, MedGen C0017921, MONDO:0009290, OMIM 232300.

Allele frequency attached by ClinVar (database versions not stated): TOPMed below 0.00001; ESP Exome Variant Server 0.00008.
gnomAD v4.1: 7 of 1,611,974 alleles (0.00043%); highest among the groups gnomAD compares: Middle Eastern, 0.017%; no homozygotes.

Submissions (3):

Ambry Genetics
Classification: Uncertain significance for Cardiovascular phenotype. Last evaluated: 2026-02-15. Review status: criteria provided, single submitter. Criteria: Ambry Variant Classification Scheme 2023. Collection method: clinical testing. Allele origin: germline.
Comment: The p.Q69E variant (also known as c.205C>G), located in coding exon 1 of the GAA gene, results from a C to G substitution at nucleotide position 205. The glutamine at codon 69 is replaced by glutamic acid, an amino acid with highly similar properties. This amino acid position is conserved. In addition, this alteration is predicted to be tolerated by in silico analysis. Based on the available evidence, the clinical significance of this variant remains unclear.

Labcorp Genetics (formerly Invitae), Labcorp
Classification: Uncertain significance for Glycogen storage disease, type II. Last evaluated: 2024-10-23. Review status: criteria provided, single submitter. Criteria: Invitae Variant Classification Sherloc (09022015). Collection method: clinical testing. Allele origin: germline.
Comment: This sequence change replaces glutamine, which is neutral and polar, with glutamic acid, which is acidic and polar, at codon 69 of the GAA protein (p.Gln69Glu). This variant is not present in population databases (gnomAD no frequency). This variant has not been reported in the literature in individuals affected with GAA-related conditions. ClinVar contains an entry for this variant (Variation ID: 659623). Invitae Evidence Modeling of protein sequence and biophysical properties (such as structural, functional, and spatial information, amino acid conservation, physicochemical variation, residue mobility, and thermodynamic stability) indicates that this missense variant is not expected to disrupt GAA protein function with a negative predictive value of 95%. In summary, the available evidence is currently insufficient to determine the role of this variant in disease. Therefore, it has been classified as a Variant of Uncertain Significance.

Natera, Inc.
Classification: Uncertain significance for Glycogen storage disease type II. Last evaluated: 2021-06-30. Review status: no assertion criteria provided. Collection method: clinical testing. Allele origin: germline. Not counted in ClinVar's aggregate classification.

NM_000152.5(GAA):c.205C>G (p.Gln69Glu)

Gene: GAA (alpha glucosidase; plus strand). Cytogenetic location: 17q25.3.
Variant type: single nucleotide variant.
Coding change: c.205C>G on transcript NM_000152.5 (MANE Select); coding-DNA position 205, C replaced by G.
Protein change: p.Gln69Glu; replaces glutamine 69 with glutamic acid.
Molecular consequence: missense variant.
Genome position (GRCh38, 1-based): chr17:80,104,791, C>G. VCF-style: chr17-80104791-C-G. GRCh37 (hg19) VCF-style: chr17-78078590-C-G.
Other names: c.205C>G (LRG_673t1); c.205C>G, p.Gln69Glu (NM_001079803.3, NM_001079804.3); short protein forms Q69E.
Identifiers: ClinVar variation 659623 (VCV000659623.9), dbSNP rs370174315, ClinGen allele CA8814805.